The following is an entry in ClinVar:

NM_001958.5(EEF1A2):c.591C>T (p.His197=)

Gene: EEF1A2 (eukaryotic translation elongation factor 1 alpha 2; minus strand). Cytogenetic location: 20q13.33.
Variant type: single nucleotide variant.
Coding change: c.591C>T on transcript NM_001958.5 (MANE Select); coding-DNA position 591, C replaced by T.
Protein change: p.His197=; no amino-acid change (histidine 197 retained).
Molecular consequence: synonymous variant.
Genome position (GRCh38, 1-based): chr20:63,494,835, G>A on the plus strand (C>T on the coding strand, the complement: EEF1A2 is on the minus strand). VCF-style: chr20-63494835-G-A. GRCh37 (hg19) VCF-style: chr20-62126188-G-A.
Identifiers: ClinVar variation 514050 (VCV000514050.45), dbSNP rs544191007, ClinGen allele CA9959074.
Genomic context (GRCh38, chr20:63,494,835, plus strand): 5'-GTGGCCCGCCCCGCCCTAGCCGCCACTCACGTTGGGGGAGGGCTCCAGCATGTTGTCACC[G>A]TGCCAGCCGGAGATGGGCACAAAGGGCACGGTGGCCGGGTTGTAGCCGATCTTCTTGATG-3'
Protein context (NP_001949.1, residues 187-207): TVPFVPISGW[His197=]GDNMLEPSPN

ClinVar aggregate classification (germline): Likely benign. Review status: criteria provided, multiple submitters, no conflicts (2 of 4 stars). 4 submissions from 4 submitters: Likely benign (4). Last evaluated 2025-10-15.

Conditions:
Developmental and epileptic encephalopathy, 33 (DEE33). Also called: Epileptic encephalopathy, early infantile, 33. Identifiers: Orphanet 442835, MedGen C4225337, MONDO:0014625, OMIM 616409.

Allele frequency attached by ClinVar (database versions not stated): ExAC 0.00001; gnomAD 0.00002 and 0.00003; gnomAD exomes 0.00002 and 0.00003; TOPMed 0.00002; 1000 Genomes Project 30x 0.00016; 1000 Genomes Project 0.00020.
gnomAD v4.1: 30 of 1,612,112 alleles (0.0019%); highest among the groups gnomAD compares: Middle Eastern, 0.016%; no homozygotes.

Submissions (4):

Labcorp Genetics (formerly Invitae), Labcorp
Classification: Likely benign for Developmental and epileptic encephalopathy, 33. Last evaluated: 2025-10-15. Review status: criteria provided, single submitter. Criteria: Invitae Variant Classification Sherloc (09022015). Collection method: clinical testing. Allele origin: germline.

CeGaT Center for Human Genetics Tuebingen
Classification: Likely benign. Last evaluated: 2024-03-01. Review status: criteria provided, single submitter. Criteria: CeGaT Center For Human Genetics Tuebingen Variant Classification Criteria Version 2. Collection method: clinical testing. Allele origin: germline. Affected: yes. Observed: 2 variant alleles.
Comment: EEF1A2: BP4, BP7

Blueprint Genetics
Classification: Likely benign. Last evaluated: 2021-09-23. Review status: criteria provided, single submitter. Criteria: ACMG Guidelines, 2015. Collection method: clinical testing. Allele origin: germline.

GeneDx
Classification: Likely benign. Last evaluated: 2020-12-31. Review status: criteria provided, single submitter. Criteria: GeneDx Variant Classification Process June 2021. Collection method: clinical testing. Allele origin: germline. Affected: yes.